The following is an entry in ClinVar:

ClinVar aggregate classification (germline): Likely benign (1 of 4 stars; one submission).

Conditions:
Anemia, congenital dyserythropoietic, type IVa. Also called: Congenital dyserythropoietic anemia, type IV; CDA, TYPE IVa; Congenital dyserythropoietic anemia type 4. Identifiers: Orphanet 293825, MedGen C3150926, MONDO:0013355, OMIM 613673.

Allele frequency attached by ClinVar (database versions not stated): gnomAD 0.00021 and 0.00019; gnomAD exomes 0.00015 and 0.00029; ExAC 0.00016; ESP Exome Variant Server 0.00008.
gnomAD v4.1: 457 of 1,602,542 alleles (0.029%); highest among the groups gnomAD compares: Middle Eastern, 0.052%; 1 homozygote.

Submission:

Illumina Laboratory Services, Illumina
Classification: Likely benign for Anemia, congenital dyserythropoietic, type IVa. Last evaluated: 2018-01-13. Review status: criteria provided, single submitter. Criteria: ICSL Variant Classification Criteria 13 December 2019. Collection method: clinical testing. Allele origin: germline.
Comment: This variant was observed in the ICSL laboratory as part of a predisposition screen in an ostensibly healthy population. It had not been previously curated by ICSL or reported in the Human Gene Mutation Database (HGMD: prior to June 1st, 2018), and was therefore a candidate for classification through an automated scoring system. Utilizing variant allele frequency, disease prevalence and penetrance estimates, and inheritance mode, an automated score was calculated to assess if this variant is too frequent to cause the disease. Based on the score and internal cut-off values, a variant classified as likely benign is not then subjected to further curation. The score for this variant resulted in a classification of likely benign for this disease.

NM_006563.5(KLF1):c.-43G>A

Genes: KLF1 (KLF transcription factor 1; minus strand), LOC117125592 (CRISPRi-FlowFISH-validated CALR, DHPS, JUNB, PRDX2, RAD23A, RNASEH2A and WDR83OS regulatory element; plus strand). Cytogenetic location: 19p13.13.
Variant type: single nucleotide variant.
Coding change: c.-43G>A on transcript NM_006563.5 (MANE Select); 43 bases upstream of the start codon, G replaced by A.
Molecular consequence: 5 prime UTR variant.
Genome position (GRCh38, 1-based): chr19:12,887,183, C>T on the plus strand (G>A on the coding strand, the complement: KLF1 is on the minus strand). VCF-style: chr19-12887183-C-T. GRCh37 (hg19) VCF-style: chr19-12997997-C-T.
Identifiers: ClinVar variation 889191 (VCV000889191.4), dbSNP rs372359976, ClinGen allele CA9234154.